The following is an entry in ClinVar:

ClinVar aggregate classification (germline): Uncertain significance (1 of 4 stars; one submission).

Conditions:
Cardiovascular phenotype. Identifiers: MedGen CN230736.

gnomAD v4.1: 1 of 1,549,836 alleles (0.000065%); highest among the groups gnomAD compares: African/African-American, 0.0014%; no homozygotes.

Submission:

Ambry Genetics
Classification: Uncertain significance for Cardiovascular phenotype. Last evaluated: 2024-12-28. Review status: criteria provided, single submitter. Criteria: Ambry Variant Classification Scheme 2023. Collection method: clinical testing. Allele origin: germline.
Comment: The p.P592A variant (also known as c.1774C>G), located in coding exon 1 of the ZNF469 gene, results from a C to G substitution at nucleotide position 1774. The proline at codon 592 is replaced by alanine, an amino acid with highly similar properties. This amino acid position is conserved. In addition, this alteration is predicted to be tolerated by in silico analysis. Based on the available evidence, the clinical significance of this variant remains unclear.

NM_001367624.2(ZNF469):c.1774C>G (p.Pro592Ala)

Gene: ZNF469 (zinc finger protein 469; plus strand). Cytogenetic location: 16q24.2.
Variant type: single nucleotide variant.
Coding change: c.1774C>G on transcript NM_001367624.2 (MANE Select); coding-DNA position 1774, C replaced by G.
Protein change: p.Pro592Ala; replaces proline 592 with alanine.
Molecular consequence: missense variant.
Genome position (GRCh38, 1-based): chr16:88,429,244, C>G. VCF-style: chr16-88429244-C-G. GRCh37 (hg19) VCF-style: chr16-88495652-C-G.
Other names: NM_001127464.1:c.1774C>G; short protein forms P592A.
Identifiers: ClinVar variation 3821101 (VCV003821101.1).
Genomic context (GRCh38, chr16:88,429,244, plus strand): 5'-CCCCACGGGACACCCAGCCTGCCCCCACCGAGGGTAGTGGGAGCCTCCCCCAGCGAGTCC[C>G]CACTGCCGTCACCGGCCACCAACACGGCCGGCAGCACCTGCTCTTCCCTGTCGCCGATGT-3'
Protein context (NP_001354553.1, residues 582-602): RVVGASPSES[Pro592Ala]LPSPATNTAG